The following is an entry in ClinVar:

NM_015100.4(POGZ):c.3997G>A (p.Asp1333Asn)

Gene: POGZ (pogo transposable element derived with ZNF domain; minus strand). Cytogenetic location: 1q21.3.
Variant type: single nucleotide variant.
Coding change: c.3997G>A on transcript NM_015100.4 (MANE Select); coding-DNA position 3997, G replaced by A.
Protein change: p.Asp1333Asn; replaces aspartic acid 1333 with asparagine.
Molecular consequence: missense variant.
Genome position (GRCh38, 1-based): chr1:151,405,038, C>T on the plus strand (G>A on the coding strand, the complement: POGZ is on the minus strand). VCF-style: chr1-151405038-C-T. GRCh37 (hg19) VCF-style: chr1-151377514-C-T.
Other names: c.3970G>A, p.Asp1324Asn (NM_001194937.2); c.3811G>A, p.Asp1271Asn (NM_001194938.2); c.3712G>A, p.Asp1238Asn (NM_145796.4); c.3838G>A, p.Asp1280Asn (NM_207171.2); short protein forms D1238N, D1271N, D1280N, D1324N, D1333N.
Identifiers: ClinVar variation 1216194 (VCV001216194.4), dbSNP rs545762626, ClinGen allele CA1090877.

ClinVar aggregate classification (germline): Conflicting classifications of pathogenicity. Review status: criteria provided, conflicting classifications (1 of 4 stars). 2 submissions from 2 submitters: Uncertain significance (1); Likely benign (1). Last evaluated 2023-05-03.

Conditions:
POGZ-related disorder. Also called: POGZ-related condition.

Allele frequency attached by ClinVar (database versions not stated): gnomAD 0.00001; ExAC 0.00003; TOPMed 0.00003; gnomAD exomes 0.00004; 1000 Genomes Project 0.00020; 1000 Genomes Project 30x 0.00031.
gnomAD v4.1: 13 of 1,614,170 alleles (0.00081%); highest among the groups gnomAD compares: Admixed American, 0.012%; no homozygotes.

Submissions (2):

PreventionGenetics, part of Exact Sciences
Classification: Uncertain significance for POGZ-related condition. Last evaluated: 2023-05-03. Review status: criteria provided, single submitter. Criteria: ACMG Guidelines, 2015. Collection method: clinical testing. Allele origin: germline.
Comment: The POGZ c.3997G>A variant is predicted to result in the amino acid substitution p.Asp1333Asn. To our knowledge, this variant has not been reported in the literature. This variant is reported in 0.020% of alleles in individuals of Latino descent in gnomAD. Although we suspect that this variant may be benign, at this time, the clinical significance of this variant is uncertain due to the absence of conclusive functional and genetic evidence.

GeneDx
Classification: Likely benign. Last evaluated: 2021-02-02. Review status: criteria provided, single submitter. Criteria: GeneDx Variant Classification Process June 2021. Collection method: clinical testing. Allele origin: germline. Affected: yes.